The following is an entry in ClinVar:

ClinVar aggregate classification (germline): Conflicting classifications of pathogenicity. Review status: criteria provided, conflicting classifications (1 of 4 stars). 4 submissions from 4 submitters: Pathogenic (2); Uncertain significance (2). Last evaluated 2023-08-07.

Conditions:
Mucopolysaccharidosis, MPS-IV-A (MPS4A). Also called: Mucopolysaccharidosis type IV A; Mucopolysaccharidosis Type IVA; Morquio syndrome A, mild; MORQUIO SYNDROME A; MPS IVA; mucopolysaccharidosis type 4A. Identifiers: Orphanet 309297, Orphanet 582, MedGen C0086651, MONDO:0009659, OMIM 253000.
Morquio syndrome. Also called: Mucopolysaccharidosis, Type IV; MPS IV; Mucopolysaccharidosis type 4; Eccentrochondrodysplasia. Identifiers: Orphanet 582, MedGen C0026707, MONDO:0018938.

Allele frequency attached by ClinVar (database versions not stated): TOPMed below 0.00001.

Submissions (4):

Women's Health and Genetics/Laboratory Corporation of America, LabCorp
Classification: Pathogenic for Morquio syndrome. Last evaluated: 2023-08-07. Review status: criteria provided, single submitter. Criteria: LabCorp Variant Classification Summary - May 2015. Collection method: clinical testing. Allele origin: germline.
Comment: Variant summary: GALNS c.1003-3C>G alters a conserved nucleotide located close to a canonical splice site and therefore could affect mRNA splicing, leading to a significantly altered protein sequence. Several computational tools predict a significant impact on normal splicing: Two predict the variant abolishes a canonical 3' splicing acceptor site and two predict it weakens the site. However, these predictions have yet to be confirmed by functional studies. The variant was absent in 182508 control chromosomes (gnomAD). c.1003-3C>G has been reported in the literature in multiple individuals affected with Mucopolysaccharidosis Type IVA (Morquio Syndrome A; Bidchol_2014, Uttarilli_2019). These data indicate that the variant is very likely to be associated with disease. The following publications have been ascertained in the context of this evaluation (PMID: 25252036, 30408610). One submitter has cited a clinical-significance assessment for this variant to ClinVar after 2014 and has classified the variant as uncertain significance. Based on the evidence outlined above, the variant was classified as pathogenic.

Labcorp Genetics (formerly Invitae), Labcorp
Classification: Pathogenic for Mucopolysaccharidosis, MPS-IV-A. Last evaluated: 2023-06-16. Review status: criteria provided, single submitter. Criteria: Invitae Variant Classification Sherloc (09022015). Collection method: clinical testing. Allele origin: germline.
Comment: This variant is also known as IVS9-3C>G. This variant has been observed in individuals with mucopolysaccharidosis type IVA (PMID: 25252036). ClinVar contains an entry for this variant (Variation ID: 1048432). Variants that disrupt the consensus splice site are a relatively common cause of aberrant splicing (PMID: 17576681, 9536098). Algorithms developed to predict the effect of sequence changes on RNA splicing suggest that this variant may disrupt the consensus splice site. For these reasons, this variant has been classified as Pathogenic. This sequence change falls in intron 9 of the GALNS gene. It does not directly change the encoded amino acid sequence of the GALNS protein. It affects a nucleotide within the consensus splice site. This variant is not present in population databases (gnomAD no frequency).

Laboratory of Diagnosis and Therapy of Lysosomal Disorders, University of Padova
Classification: Uncertain significance for Mucopolysaccharidosis, MPS-IV-A. Last evaluated: 2021-02-01. Review status: criteria provided, single submitter. Criteria: ACMG Guidelines, 2015. Collection method: research. Allele origin: germline. Affected: yes.
Comment: The prevalence of the variant in affected individuals is significantly increased compared with the prevalence in controls (PS4_supporting); absent from gnomAD v2.1.1 (PM2_moderate)

Neuberg Centre For Genomic Medicine, NCGM
Classification: Uncertain significance for Mucopolysaccharidosis, MPS-IV-A. Review status: criteria provided, single submitter. Criteria: ACMG Guidelines, 2015. Collection method: clinical testing. Allele origin: germline. Inheritance: Autosomal recessive inheritance. Affected: yes.

Literature cited by the submitters: PubMed 25252036 (cited by 3 submitters); PubMed 30408610 (cited by Women's Health and Genetics/Laboratory Corporation of America, LabCorp); PubMed 17576681 (cited by Labcorp Genetics (formerly Invitae), Labcorp); PubMed 9536098 (cited by Labcorp Genetics (formerly Invitae), Labcorp); PubMed 34387910 (cited by Laboratory of Diagnosis and Therapy of Lysosomal Disorders, University of Padova).

NM_000512.5(GALNS):c.1003-3C>G

Gene: GALNS (galactosamine (N-acetyl)-6-sulfatase; minus strand). Cytogenetic location: 16q24.3.
Variant type: single nucleotide variant.
Coding change: c.1003-3C>G on transcript NM_000512.5 (MANE Select); 3 bases into the intron before coding-DNA position 1003, C replaced by G.
Molecular consequence: intron variant.
Genome position (GRCh38, 1-based): chr16:88,826,841, G>C on the plus strand (C>G on the coding strand, the complement: GALNS is on the minus strand). VCF-style: chr16-88826841-G-C. GRCh37 (hg19) VCF-style: chr16-88893249-G-C.
Other names: c.448-3C>G (NM_001323543.2); c.1021-3C>G (NM_001323544.2); c.1003-3C>G (NM_000512.4).
Identifiers: ClinVar variation 1048432 (VCV001048432.8), dbSNP rs760239741, ClinGen allele CA8234842.
Genomic context (GRCh38, chr16:88,826,841, plus strand): 5'-CCGCAAGGGCCAGGCTGGTGGTGAAGAGGTCCATGATGCTGCCCAGCTGGTGGCTCACCT[G>C]AAACACATGGCAGCAACACGGTCAGGGCACTCTGCACCGACCCGATGGGGCTGGGGGCCA-3'